The following is an entry in ClinVar:

NM_000406.3(GNRHR):c.401T>G (p.Val134Gly)

Gene: GNRHR (gonadotropin releasing hormone receptor; minus strand). Cytogenetic location: 4q13.2.
Variant type: single nucleotide variant.
Coding change: c.401T>G on transcript NM_000406.3 (MANE Select); coding-DNA position 401, T replaced by G.
Protein change: p.Val134Gly; replaces valine 134 with glycine.
Molecular consequence: missense variant.
Genome position (GRCh38, 1-based): chr4:67,753,935, A>C on the plus strand (T>G on the coding strand, the complement: GNRHR is on the minus strand). VCF-style: chr4-67753935-A-C. GRCh37 (hg19) VCF-style: chr4-68619653-A-C.
Other names: c.401T>G, p.Val134Gly (NM_001012763.2); short protein forms V134G.
Identifiers: ClinVar variation 1458023 (VCV001458023.9), dbSNP rs188272653, ClinGen allele CA2938946.

ClinVar aggregate classification (germline): Pathogenic. Review status: criteria provided, multiple submitters, no conflicts (2 of 4 stars). 2 submissions from 2 submitters: Pathogenic (2). Last evaluated 2024-08-06.

Conditions:
Hypogonadotropic hypogonadism 7 with or without anosmia (HH7). Also called: GNRHR-Related GnRH Deficiency; HYPOGONADOTROPIC HYPOGONADISM 7 WITHOUT ANOSMIA. Identifiers: Orphanet 432, MedGen C0342384, MONDO:0007794, OMIM 146110.

Allele frequency attached by ClinVar (database versions not stated): ExAC 0.00001; gnomAD 0.00001; gnomAD exomes 0.00003; TOPMed 0.00003.
gnomAD v4.1: 14 of 1,613,910 alleles (0.00087%); highest among the groups gnomAD compares: Admixed American, 0.015%; no homozygotes.

Submissions (2):

Labcorp Genetics (formerly Invitae), Labcorp
Classification: Pathogenic. Last evaluated: 2024-08-06. Review status: criteria provided, single submitter. Criteria: Invitae Variant Classification Sherloc (09022015). Collection method: clinical testing. Allele origin: germline.
Comment: This sequence change replaces valine, which is neutral and non-polar, with glycine, which is neutral and non-polar, at codon 134 of the GNRHR protein (p.Val134Gly). This variant is present in population databases (rs188272653, gnomAD 0.02%). This missense change has been observed in individual(s) with GNRHR-related conditions (PMID: 25016926, 28611058; Invitae). In at least one individual the data is consistent with being in trans (on the opposite chromosome) from a pathogenic variant. ClinVar contains an entry for this variant (Variation ID: 1458023). Advanced modeling of protein sequence and biophysical properties (such as structural, functional, and spatial information, amino acid conservation, physicochemical variation, residue mobility, and thermodynamic stability) performed at Invitae indicates that this missense variant is not expected to disrupt GNRHR protein function with a negative predictive value of 80%. Experimental studies have shown that this missense change affects GNRHR function (PMID: 25016926). For these reasons, this variant has been classified as Pathogenic.

Fulgent Genetics
Classification: Pathogenic for Hypogonadotropic hypogonadism 7 with or without anosmia. Last evaluated: 2021-10-18. Review status: criteria provided, single submitter. Criteria: ACMG Guidelines, 2015. Collection method: clinical testing. Allele origin: unknown.

Literature cited by the submitters: PubMed 25016926 (cited by Labcorp Genetics (formerly Invitae), Labcorp); PubMed 28611058 (cited by Labcorp Genetics (formerly Invitae), Labcorp).